The following is an entry in ClinVar:

ClinVar aggregate classification (germline): Likely pathogenic (1 of 4 stars; one submission).

Conditions:
Retinitis pigmentosa 11 (RP11). Identifiers: Orphanet 791, MedGen C1838601, MONDO:0010828, OMIM 600138.

Submission:

3billion
Classification: Likely pathogenic for Retinitis pigmentosa 11. Last evaluated: 2025-12-12. Review status: criteria provided, single submitter. Criteria: ACMG Guidelines, 2015. Collection method: clinical testing. Allele origin: germline. Affected: yes.
Comment: The variant is not observed in the gnomAD v4.1.0 dataset. Predicted Consequence/Location: Canonical splice site: predicted to alter splicing and result in a loss or disruption of normal protein function. Multiple pathogenic loss-of-function variants are reported downstream of the variant. In silico tools predict the variant to alter splicing and produce an abnormal transcript [SpliceAI: 1.00 (spliceogenicity >=0.2, non-spliceogenicity <0.1)]. Therefore, this variant is classified as Likely pathogenic according to the recommendation of ACMG/AMP guideline.

NM_015629.4(PRPF31):c.177+1G>C

Gene: PRPF31 (pre-mRNA processing factor 31; plus strand). Cytogenetic location: 19q13.42.
Variant type: single nucleotide variant.
Coding change: c.177+1G>C on transcript NM_015629.4 (MANE Select); the canonical splice donor site of the intron after coding-DNA position 177, G replaced by C.
Molecular consequence: splice donor variant.
Genome position (GRCh38, 1-based): chr19:54,118,456, G>C. VCF-style: chr19-54118456-G-C. GRCh37 (hg19) VCF-style: chr19-54621836-G-C.
Identifiers: ClinVar variation 4856257 (VCV004856257.1).